The following is an entry in ClinVar:

ClinVar aggregate classification (germline): Likely benign (1 of 4 stars; one submission).

Allele frequency attached by ClinVar (database versions not stated): 1000 Genomes Project 30x 0.00062.
gnomAD v4.1: 318 of 151,982 alleles (0.21%); highest among the groups gnomAD compares: Middle Eastern, 1.4%; 3 homozygotes.

Submission:

CeGaT Center for Human Genetics Tuebingen
Classification: Likely benign. Last evaluated: 2022-12-01. Review status: criteria provided, single submitter. Criteria: CeGaT Center For Human Genetics Tuebingen Variant Classification Criteria Version 2. Collection method: clinical testing. Allele origin: germline. Affected: yes. Observed: 4 variant alleles.
Comment: BRSK2: BS2

NM_001256627.2(BRSK2):c.1288-326C>T

Gene: BRSK2 (BR serine/threonine kinase 2; plus strand). Cytogenetic location: 11p15.5.
Variant type: single nucleotide variant.
Coding change: c.1288-326C>T on transcript NM_001256627.2 (MANE Select); 326 bases into the intron before coding-DNA position 1288, C replaced by T.
Molecular consequence: intron variant.
Genome position (GRCh38, 1-based): chr11:1,450,261, C>T. VCF-style: chr11-1450261-C-T. GRCh37 (hg19) VCF-style: chr11-1471491-C-T.
Other names: c.1288-326C>T (NM_001256629.2, NM_003957.4); c.1108-326C>T (NM_001282218.2); c.1426-326C>T (NM_001256630.1).
Identifiers: ClinVar variation 1711269 (VCV001711269.30), dbSNP rs537785404, ClinGen allele CA216134297.